The following is an entry in ClinVar:

NM_001375567.1(FOCAD):c.3447C>T (p.Leu1149=)

Gene: FOCAD (focadhesin; plus strand). Cytogenetic location: 9p21.3.
Variant type: single nucleotide variant.
Coding change: c.3447C>T on transcript NM_001375567.1 (MANE Select); coding-DNA position 3447, C replaced by T.
Protein change: p.Leu1149=; no amino-acid change (leucine 1149 retained).
Molecular consequence: synonymous variant.
Genome position (GRCh38, 1-based): chr9:20,944,666, C>T. VCF-style: chr9-20944666-C-T. GRCh37 (hg19) VCF-style: chr9-20944665-C-T.
Other names: c.3342C>T, p.Leu1114= (NM_001375568.1, NM_001375570.1); c.3447C>T, p.Leu1149= (NM_017794.5).
Identifiers: ClinVar variation 2779560 (VCV002779560.4), dbSNP rs552768081, ClinGen allele CA5007556.

ClinVar aggregate classification (germline): Conflicting classifications of pathogenicity. Review status: criteria provided, conflicting classifications (1 of 4 stars). 2 submissions from 2 submitters: Uncertain significance (1); Likely benign (1). Last evaluated 2024-03-01.

Allele frequency attached by ClinVar (database versions not stated): gnomAD 0.00003; gnomAD exomes 0.00003; ExAC 0.00006; 1000 Genomes Project 30x 0.00016; 1000 Genomes Project 0.00020.
gnomAD v4.1: 52 of 1,614,124 alleles (0.0032%); highest among the groups gnomAD compares: South Asian, 0.051%; no homozygotes.

Submissions (2):

Blueprint Genetics
Classification: Likely benign. Last evaluated: 2024-03-01. Review status: criteria provided, single submitter. Criteria: ACMG Guidelines, 2015. Collection method: clinical testing. Allele origin: germline.

Labcorp Genetics (formerly Invitae), Labcorp
Classification: Uncertain significance. Last evaluated: 2023-12-31. Review status: criteria provided, single submitter. Criteria: Invitae Variant Classification Sherloc (09022015). Collection method: clinical testing. Allele origin: germline.
Comment: This sequence change affects codon 1149 of the FOCAD mRNA. It is a 'silent' change, meaning that it does not change the encoded amino acid sequence of the FOCAD protein. This variant is present in population databases (rs552768081, gnomAD 0.05%). This variant has not been reported in the literature in individuals affected with FOCAD-related conditions. Experimental studies and prediction algorithms are not available or were not evaluated, and the effect of this variant on mRNA splicing is currently unknown. In summary, the available evidence is currently insufficient to determine the role of this variant in disease. Therefore, it has been classified as a Variant of Uncertain Significance.